The following is an entry in ClinVar:

ClinVar aggregate classification (germline): Uncertain significance (1 of 4 stars; one submission).

Submission:

Labcorp Genetics (formerly Invitae), Labcorp
Classification: Uncertain significance. Last evaluated: 2022-09-27. Review status: criteria provided, single submitter. Criteria: Invitae Variant Classification Sherloc (09022015). Collection method: clinical testing. Allele origin: germline.
Comment: Advanced modeling of protein sequence and biophysical properties (such as structural, functional, and spatial information, amino acid conservation, physicochemical variation, residue mobility, and thermodynamic stability) performed at Invitae indicates that this missense variant is expected to disrupt FH protein function. This variant has not been reported in the literature in individuals affected with FH-related conditions. This variant is not present in population databases (gnomAD no frequency). This sequence change replaces alanine, which is neutral and non-polar, with proline, which is neutral and non-polar, at codon 161 of the FH protein (p.Ala161Pro). In summary, the available evidence is currently insufficient to determine the role of this variant in disease. Therefore, it has been classified as a Variant of Uncertain Significance.

NM_000143.4(FH):c.481G>C (p.Ala161Pro)

Gene: FH (fumarate hydratase; minus strand). Cytogenetic location: 1q43.
Variant type: single nucleotide variant.
Coding change: c.481G>C on transcript NM_000143.4 (MANE Select); coding-DNA position 481, G replaced by C.
Protein change: p.Ala161Pro; replaces alanine 161 with proline.
Molecular consequence: missense variant.
Genome position (GRCh38, 1-based): chr1:241,512,041, C>G on the plus strand (G>C on the coding strand, the complement: FH is on the minus strand). VCF-style: chr1-241512041-C-G. GRCh37 (hg19) VCF-style: chr1-241675341-C-G.
Other names: short protein forms A161P.
Identifiers: ClinVar variation 2032782 (VCV002032782.4), dbSNP rs1573885421, ClinGen allele CA345440007.
Genomic context (GRCh38, chr1:241,512,041, plus strand): 5'-CATGATCGTTGGGATGCACAGGTATCTTGCTGCCAAGTTCACCTCCTAACATTTCAATTG[C>G]TCTATTGCTAATGACTTCATTTACATTCATATTTGTCTGAGTTCCTGATCCAGTCTGCCA-3'
Protein context (NP_000134.2, residues 151-171): MNVNEVISNR[Ala161Pro]IEMLGGELGS